The following is an entry in ClinVar:

ClinVar aggregate classification (germline): Uncertain significance (1 of 4 stars; one submission).

Conditions:
Ehlers-Danlos syndrome, classic type, 1 (EDSCL1). Also called: EHLERS-DANLOS SYNDROME, GRAVIS TYPE; EHLERS-DANLOS SYNDROME, SEVERE CLASSIC TYPE; Ehlers-Danlos syndrome, type 1; Ehlers-Danlos Syndrome, Classic Type, COL5A1-Related; EDS I. Identifiers: MedGen C0268335, MONDO:0019567, OMIM 130000.

Submission:

Labcorp Genetics (formerly Invitae), Labcorp
Classification: Uncertain significance for Ehlers-Danlos syndrome, classic type, 1. Last evaluated: 2023-03-18. Review status: criteria provided, single submitter. Criteria: Invitae Variant Classification Sherloc (09022015). Collection method: clinical testing. Allele origin: germline.
Comment: In summary, the available evidence is currently insufficient to determine the role of this variant in disease. Therefore, it has been classified as a Variant of Uncertain Significance. Advanced modeling of protein sequence and biophysical properties (such as structural, functional, and spatial information, amino acid conservation, physicochemical variation, residue mobility, and thermodynamic stability) has been performed at Invitae for this missense variant, however the output from this modeling did not meet the statistical confidence thresholds required to predict the impact of this variant on COL5A1 protein function. This sequence change replaces glycine, which is neutral and non-polar, with alanine, which is neutral and non-polar, at codon 1832 of the COL5A1 protein (p.Gly1832Ala). This variant is not present in population databases (gnomAD no frequency). This variant has not been reported in the literature in individuals affected with COL5A1-related conditions.

NM_000093.5(COL5A1):c.5495G>C (p.Gly1832Ala)

Genes: COL5A1 (collagen type V alpha 1 chain; plus strand), LOC101448202 (uncharacterized LOC101448202; minus strand). Cytogenetic location: 9q34.3.
Variant type: single nucleotide variant.
Coding change: c.5495G>C on transcript NM_000093.5 (MANE Select); coding-DNA position 5495, G replaced by C.
Protein change: p.Gly1832Ala; replaces glycine 1832 with alanine.
Molecular consequence: missense variant.
Genome position (GRCh38, 1-based): chr9:134,842,281, G>C. VCF-style: chr9-134842281-G-C. GRCh37 (hg19) VCF-style: chr9-137734127-G-C.
Other names: c.5495G>C, p.Gly1832Ala (NM_001278074.1); short protein forms G1832A.
Identifiers: ClinVar variation 2846917 (VCV002846917.3), dbSNP rs1554727410, ClinGen allele CA375462121.